The following is an entry in ClinVar:

ClinVar aggregate classification (germline): Likely benign (1 of 4 stars; one submission).

Submission:

CeGaT Center for Human Genetics Tuebingen
Classification: Likely benign. Last evaluated: 2025-03-01. Review status: criteria provided, single submitter. Criteria: CeGaT Center For Human Genetics Tuebingen Variant Classification Criteria Version 2. Collection method: clinical testing. Allele origin: germline. Affected: yes. Observed: 1 variant allele.
Comment: ZFHX3: BS2

NM_006885.4(ZFHX3):c.10558GGC[3] (p.Gly3523_Gly3527del)

Genes: ZFHX3 (zinc finger homeobox 3; minus strand), ZFHX3-AS1 (ZFHX3 antisense RNA 1; plus strand). Cytogenetic location: 16q22.2.
Variant type: Microsatellite.
Coding change: c.10558GGC[3] on transcript NM_006885.4 (MANE Select); three copies in a row of the 3-base unit GGC starting at c.10558; the reference has eight copies in a row; five copies, 15 bases deleted.
Protein change: p.Gly3523_Gly3527del.
Genome position (GRCh38, 1-based): chr16:72,787,695-72,787,709, GCCGCCGCCGCCGCC deleted on the plus strand (GGCGGCGGCGGCGGC on the coding strand, the reverse complement: ZFHX3 is on the minus strand); deleting any 15 consecutive bases within chr16:72,787,695-72,787,718 gives the same sequence; the position shown is the placement nearest the transcript's 3' end. VCF-style (leftmost placement, unchanged base first): chr16-72787694-AGCCGCCGCCGCCGCC-A. GRCh37 (hg19) VCF-style: chr16-72821593-AGCCGCCGCCGCCGCC-A.
Other names: c.7816GGC[3], p.Gly2609_Gly2613del (NM_001164766.2); c.10558GGC[3], p.Gly3523_Gly3527del (NM_001386735.1).
Identifiers: ClinVar variation 3777935 (VCV003777935.7).
Genomic context (GRCh38, chr16:72,787,694, plus strand): 5'-GATGTTGACTCAGAGCTTCCTCCCCACAGAGCGCGCTCTCGCACGCCAGGCAGTGGTACG[AGCCGCCGCCGCCGCC>A]GCCGCCGCCACCGCCGCCGCCGCCGCCACTGCCACCGCCGCCGCCGCCGGTGGGGACGTG-3'